The following is an entry in ClinVar:

NM_005612.5(REST):c.1902G>A (p.Met634Ile)

Gene: REST (RE1 silencing transcription factor; plus strand). Cytogenetic location: 4q12.
Variant type: single nucleotide variant.
Coding change: c.1902G>A on transcript NM_005612.5 (MANE Select); coding-DNA position 1902, G replaced by A.
Protein change: p.Met634Ile; replaces methionine 634 with isoleucine.
Molecular consequence: missense variant.
Genome position (GRCh38, 1-based): chr4:56,930,760, G>A. VCF-style: chr4-56930760-G-A. GRCh37 (hg19) VCF-style: chr4-57796926-G-A.
Other names: c.1902G>A, p.Met634Ile (NM_001193508.2, NM_001363453.3); short protein forms M634I.
Identifiers: ClinVar variation 1135056 (VCV001135056.13), dbSNP rs777213931, ClinGen allele CA2932346.

ClinVar aggregate classification (germline): Conflicting classifications of pathogenicity. Review status: criteria provided, conflicting classifications (1 of 4 stars). 4 submissions from 4 submitters: Uncertain significance (1); Likely benign (2). 1 of the submissions does not count toward it. Last evaluated 2026-01-10.

Conditions:
Wilms tumor 6 (WT6). Also called: WILMS TUMOR 6, SUSCEPTIBILITY TO. Identifiers: Orphanet 654, MedGen C3891301, MONDO:0014779, OMIM 616806.
REST-related disorder. Also called: REST-related condition.

Allele frequency attached by ClinVar (database versions not stated): gnomAD 0.00002 and 0.00003; gnomAD exomes 0.00002 and 0.00007; TOPMed 0.00003; ExAC 0.00010.
gnomAD v4.1: 29 of 1,604,334 alleles (0.0018%); highest among the groups gnomAD compares: East Asian, 0.045%; no homozygotes.

Submissions (4):

Labcorp Genetics (formerly Invitae), Labcorp
Classification: Likely benign. Last evaluated: 2026-01-10. Review status: criteria provided, single submitter. Criteria: Invitae Variant Classification Sherloc (09022015). Collection method: clinical testing. Allele origin: germline.

St. Jude Molecular Pathology, St. Jude Children's Research Hospital
Classification: Uncertain significance for Wilms tumor 6. Last evaluated: 2024-06-18. Review status: criteria provided, single submitter. Criteria: St. Jude Assertion Criteria 2020. Collection method: clinical testing. Allele origin: germline.
Comment: The REST c.1902G>A (p.Met634Ile) missense change has a maximum subpopulation frequency of 0.08% in gnomAD v2.1.1. The in silico tool REVEL predicts a benign effect on protein function, but to our knowledge this prediction has not been confirmed by functional studies. To our knowledge, this variant has not been reported in individuals with Wilms tumor. In summary, the evidence currently available is insufficient to determine the clinical significance of this variant. It has therefore been classified as of uncertain significance.

Breakthrough Genomics
Classification: Likely benign. Review status: criteria provided, single submitter. Criteria: ACMG Guidelines, 2015. Collection method: not provided. Allele origin: germline. Inheritance: Autosomal dominant inheritance. Affected: yes.

PreventionGenetics, part of Exact Sciences
Classification: Likely benign for REST-related condition. Last evaluated: 2022-04-08. Review status: no assertion criteria provided. Collection method: clinical testing. Allele origin: germline. Not counted in ClinVar's aggregate classification.
Comment: This variant is classified as likely benign based on ACMG/AMP sequence variant interpretation guidelines (Richards et al. 2015 PMID: 25741868, with internal and published modifications).